The following is an entry in ClinVar:

NM_020975.6(RET):c.3039+1G>A

Gene: RET (ret proto-oncogene; plus strand). Cytogenetic location: 10q11.21.
Variant type: single nucleotide variant.
Coding change: c.3039+1G>A on transcript NM_020975.6 (MANE Select); the canonical splice donor site of the intron after coding-DNA position 3039, G replaced by A.
Molecular consequence: splice donor variant.
Genome position (GRCh38, 1-based): chr10:43,124,983, G>A. VCF-style: chr10-43124983-G-A. GRCh37 (hg19) VCF-style: chr10-43620431-G-A.
Other names: c.3039+1G>A (NM_020630.7, NM_001406743.1, NM_001406744.1 and 2 more transcripts); c.2904+1G>A (NM_001406765.1, NM_001406763.1); c.2643+1G>A (NM_001406772.1, NM_001406769.1); c.2601+1G>A (NM_001406773.1, NM_001406771.1); c.2142+1G>A (NM_001406782.1, NM_001406780.1, NM_001406779.1 and 1 more transcripts); c.2007+1G>A (NM_001406787.1); c.2022+1G>A (NM_001406785.1); c.2910+1G>A (NM_001406764.1, NM_001406762.1, NM_001406761.1); and 10 more.
Identifiers: ClinVar variation 4715982 (VCV004715982.1).

ClinVar aggregate classification (germline): Likely pathogenic (1 of 4 stars; one submission).

Conditions:
Multiple endocrine neoplasia, type 2 (MEN2). Identifiers: Orphanet 653, MedGen C4048306, MONDO:0019003. Disease mechanism: gain of function.

gnomAD v4.1: 1 of 1,614,064 alleles (0.000062%); highest among the groups gnomAD compares: Non-Finnish European, 0.000085%; no homozygotes.

Submission:

Labcorp Genetics (formerly Invitae), Labcorp
Classification: Likely pathogenic for Multiple endocrine neoplasia, type 2. Last evaluated: 2025-03-26. Review status: criteria provided, single submitter. Criteria: Invitae Variant Classification Sherloc (09022015). Collection method: clinical testing. Allele origin: germline.
Comment: This sequence change affects a donor splice site in intron 18 of the RET gene. It is expected to disrupt RNA splicing. Variants that disrupt the donor or acceptor splice site typically lead to a loss of protein function (PMID: 16199547), and loss-of-function variants in RET are known to be pathogenic (PMID: 22174939, 22648184). This variant is not present in population databases (gnomAD no frequency). This variant has not been reported in the literature in individuals affected with RET-related conditions. Algorithms developed to predict the effect of sequence changes on RNA splicing suggest that this variant may disrupt the consensus splice site. In summary, the currently available evidence indicates that the variant is pathogenic, but additional data are needed to prove that conclusively. Therefore, this variant has been classified as Likely Pathogenic.

Literature cited by the submitters: PubMed 16199547; PubMed 22174939; PubMed 22648184.